The following is an entry in ClinVar:

NM_020822.3(KCNT1):c.1275G>A (p.Trp425Ter)

Gene: KCNT1 (potassium sodium-activated channel subfamily T member 1; plus strand). Cytogenetic location: 9q34.3.
Variant type: single nucleotide variant.
Coding change: c.1275G>A on transcript NM_020822.3 (MANE Select); coding-DNA position 1275, G replaced by A.
Protein change: p.Trp425Ter; replaces tryptophan 425 with a stop codon.
Molecular consequence: nonsense.
Genome position (GRCh38, 1-based): chr9:135,765,698, G>A. VCF-style: chr9-135765698-G-A. GRCh37 (hg19) VCF-style: chr9-138657544-G-A.
Other names: c.1140G>A, p.Trp380Ter (NM_001272003.2); short protein forms W380*, W425*.
Identifiers: ClinVar variation 2003671 (VCV002003671.4), dbSNP rs2490908664, ClinGen allele CA375501491.

ClinVar aggregate classification (germline): Uncertain significance (1 of 4 stars; one submission).

Conditions:
Autosomal dominant nocturnal frontal lobe epilepsy 5. Also called: CILIARY DYSKINESIA, PRIMARY, 28, WITH SITUS INVERSUS; CILIARY DYSKINESIA, PRIMARY, 28, WITHOUT SITUS INVERSUS; KCNT1-Related Epilepsy; Epilepsy, nocturnal frontal lobe, 5. Identifiers: Orphanet 98784, MedGen C3554306, MONDO:0014002, OMIM 615005.
Developmental and epileptic encephalopathy, 14 (DEE14). Also called: Early infantile epileptic encephalopathy 14. Identifiers: Orphanet 293181, MedGen C3554195, MONDO:0013989, OMIM 614959.

Submission:

Labcorp Genetics (formerly Invitae), Labcorp
Classification: Uncertain significance for Autosomal dominant nocturnal frontal lobe epilepsy 5; Developmental and epileptic encephalopathy, 14. Last evaluated: 2022-10-17. Review status: criteria provided, single submitter. Criteria: Invitae Variant Classification Sherloc (09022015). Collection method: clinical testing. Allele origin: germline.
Comment: In summary, the available evidence is currently insufficient to determine the role of this variant in disease. Therefore, it has been classified as a Variant of Uncertain Significance. This variant has not been reported in the literature in individuals affected with KCNT1-related conditions. This variant is not present in population databases (gnomAD no frequency). This sequence change creates a premature translational stop signal (p.Trp425*) in the KCNT1 gene. It is expected to result in an absent or disrupted protein product. However, the current clinical and genetic evidence is not sufficient to establish whether loss-of-function variants in KCNT1 cause disease.